The following is an entry in ClinVar:

NM_000143.4(FH):c.215_216del (p.Thr72fs)

Gene: FH (fumarate hydratase; minus strand). Cytogenetic location: 1q43.
Variant type: Deletion.
Coding change: c.215_216del on transcript NM_000143.4 (MANE Select); coding-DNA positions 215 to 216, 2 bases deleted (CC; older notation c.215_216delCC).
Protein change: p.Thr72fs; shifts the reading frame from threonine 72.
Molecular consequence: frameshift variant.
Genome position (GRCh38, 1-based): chr1:241,517,233-241,517,234, GG deleted on the plus strand (CC on the coding strand, the reverse complement: FH is on the minus strand). VCF-style (leftmost placement, unchanged base first): chr1-241517232-CGG-C. GRCh37 (hg19) VCF-style: chr1-241680532-CGG-C.
Other names: short protein forms T72fs.
Identifiers: ClinVar variation 3850222 (VCV003850222.1).

ClinVar aggregate classification (germline): Pathogenic (1 of 4 stars; one submission).

Conditions:
Hereditary cancer-predisposing syndrome. Also called: Hereditary neoplastic syndrome; Neoplastic Syndromes, Hereditary; Tumor predisposition; Hereditary Cancer Syndrome. Identifiers: Orphanet 140162, MedGen C0027672, MeSH D009386, MONDO:0015356.

Submission:

Ambry Genetics
Classification: Pathogenic for Hereditary cancer-predisposing syndrome. Last evaluated: 2025-01-13. Review status: criteria provided, single submitter. Criteria: Ambry Variant Classification Scheme 2023. Collection method: clinical testing. Allele origin: germline.
Comment: The c.215_216delCC pathogenic mutation, located in coding exon 2 of the FH gene, results from a deletion of two nucleotides at nucleotide positions 215 to 216, causing a translational frameshift with a predicted alternate stop codon (p.T72Sfs*8). This variant is considered to be rare based on population cohorts in the Genome Aggregation Database (gnomAD). This alteration is expected to result in loss of function by premature protein truncation or nonsense-mediated mRNA decay. As such, this alteration is interpreted as a disease-causing mutation.